The following is an entry in ClinVar:

NM_024656.4(COLGALT1):c.86G>T (p.Gly29Val)

Genes: COLGALT1 (collagen beta(1-O)galactosyltransferase 1; plus strand), LOC130063952 (ATAC-STARR-seq lymphoblastoid silent region 10355; plus strand). Cytogenetic location: 19p13.11.
Variant type: single nucleotide variant.
Coding change: c.86G>T on transcript NM_024656.4 (MANE Select); coding-DNA position 86, G replaced by T.
Protein change: p.Gly29Val; replaces glycine 29 with valine.
Molecular consequence: missense variant.
Genome position (GRCh38, 1-based): chr19:17,555,799, G>T. VCF-style: chr19-17555799-G-T. GRCh37 (hg19) VCF-style: chr19-17666608-G-T.
Other names: short protein forms G29V.
Identifiers: ClinVar variation 2107765 (VCV002107765.4), dbSNP rs1159262236, ClinGen allele CA404691533.

ClinVar aggregate classification (germline): Uncertain significance (1 of 4 stars; one submission).

gnomAD v4.1: 1 of 1,250,380 alleles (0.00008%); highest among the groups gnomAD compares: Admixed American, 0.0041%; no homozygotes.

Submission:

Labcorp Genetics (formerly Invitae), Labcorp
Classification: Uncertain significance. Last evaluated: 2025-04-28. Review status: criteria provided, single submitter. Criteria: Invitae Variant Classification Sherloc (09022015). Collection method: clinical testing. Allele origin: germline.
Comment: This sequence change replaces glycine, which is neutral and non-polar, with valine, which is neutral and non-polar, at codon 29 of the COLGALT1 protein (p.Gly29Val). This variant is not present in population databases (gnomAD no frequency). This variant has not been reported in the literature in individuals affected with COLGALT1-related conditions. ClinVar contains an entry for this variant (Variation ID: 2107765). An algorithm developed to predict the effect of missense changes on protein structure and function (PolyPhen-2) suggests that this variant is likely to be tolerated. In summary, the available evidence is currently insufficient to determine the role of this variant in disease. Therefore, it has been classified as a Variant of Uncertain Significance.